The following is an entry in ClinVar:

ClinVar aggregate classification (germline): Uncertain significance (1 of 4 stars; one submission).

Submission:

Labcorp Genetics (formerly Invitae), Labcorp
Classification: Uncertain significance. Last evaluated: 2022-08-02. Review status: criteria provided, single submitter. Criteria: Invitae Variant Classification Sherloc (09022015). Collection method: clinical testing. Allele origin: germline.
Comment: This sequence change replaces serine, which is neutral and polar, with proline, which is neutral and non-polar, at codon 722 of the VCAN protein (p.Ser722Pro). This variant is not present in population databases (gnomAD no frequency). This variant has not been reported in the literature in individuals affected with VCAN-related conditions. Algorithms developed to predict the effect of missense changes on protein structure and function output the following: SIFT: "Deleterious"; PolyPhen-2: "Benign"; Align-GVGD: "Class C0". The proline amino acid residue is found in multiple mammalian species, which suggests that this missense change does not adversely affect protein function. In summary, the available evidence is currently insufficient to determine the role of this variant in disease. Therefore, it has been classified as a Variant of Uncertain Significance.

NM_004385.5(VCAN):c.2164T>C (p.Ser722Pro)

Gene: VCAN (versican; plus strand). Cytogenetic location: 5q14.3.
Variant type: single nucleotide variant.
Coding change: c.2164T>C on transcript NM_004385.5 (MANE Select); coding-DNA position 2164, T replaced by C.
Protein change: p.Ser722Pro; replaces serine 722 with proline.
Molecular consequence: missense variant. On other transcripts: intron variant (2).
Genome position (GRCh38, 1-based): chr5:83,520,470, T>C. VCF-style: chr5-83520470-T-C. GRCh37 (hg19) VCF-style: chr5-82816289-T-C.
Other names: c.2164T>C, p.Ser722Pro (NM_001164098.2); c.1042+8074T>C (NM_001164097.2, NM_001126336.3); short protein forms S722P.
Identifiers: ClinVar variation 1714815 (VCV001714815.5), dbSNP rs1746038478, ClinGen allele CA360303303.